The following is an entry in ClinVar:

NM_001128126.3(AP4S1):c.-77G>A

Genes: AP4S1 (adaptor related protein complex 4 subunit sigma 1; plus strand), STRN3 (striatin 3; minus strand). Cytogenetic location: 14q12.
Variant type: single nucleotide variant.
Coding change: c.-77G>A on transcript NM_001128126.3 (MANE Select); 77 bases upstream of the start codon, G replaced by A.
Molecular consequence: 5 prime UTR variant. On other transcripts: intron variant (3).
Genome position (GRCh38, 1-based): chr14:31,025,782, G>A. VCF-style: chr14-31025782-G-A. GRCh37 (hg19) VCF-style: chr14-31494988-G-A.
Other names: c.-77G>A (NM_001254726.2, NM_001254727.2, NM_007077.5); c.282+122C>T (NM_014574.4, NM_001083893.2); c.-72+484G>A (NM_001254729.2).
Identifiers: ClinVar variation 380897 (VCV000380897.3), dbSNP rs78648016, ClinGen allele CA13988539.
Genomic context (GRCh38, chr14:31,025,782, plus strand): 5'-CGGGAAAGAGGGAGGGGGACTCCAGGAAAAGCCGTTGAGAGGACCATCACAACCTGAGCA[G>A]CACAGGTAGGTTCCGCTCGGCCTCCCAAGGCGCCGGCTCCGGCTGAGTGGAGTCCCCAGC-3'

ClinVar aggregate classification (germline): Benign. Review status: criteria provided, multiple submitters, no conflicts (2 of 4 stars). 2 submissions from 2 submitters: Benign (2). Last evaluated 2016-04-15.

Allele frequency attached by ClinVar (database versions not stated): gnomAD 0.04908 and 0.05227; TOPMed 0.05765; 1000 Genomes Project 30x 0.08838; 1000 Genomes Project 0.08966.
gnomAD v4.1: 63,612 of 1,365,960 alleles (4.7%); highest among the groups gnomAD compares: East Asian, 21%; 2,472 homozygotes.

Submissions (2):

GeneDx
Classification: Benign. Last evaluated: 2016-04-15. Review status: criteria provided, single submitter. Criteria: GeneDx Variant Classification (06012015). Collection method: clinical testing. Allele origin: germline. Affected: yes.
Comment: This variant is considered likely benign or benign based on one or more of the following criteria: it is a conservative change, it occurs at a poorly conserved position in the protein, it is predicted to be benign by multiple in silico algorithms, and/or has population frequency not consistent with disease.

Breakthrough Genomics
Classification: Benign. Review status: criteria provided, single submitter. Criteria: ACMG Guidelines, 2015. Collection method: not provided. Allele origin: germline. Inheritance: Autosomal recessive inheritance. Affected: yes.